The following is an entry in ClinVar:

NM_032043.3(BRIP1):c.3493A>C (p.Ile1165Leu)

Gene: BRIP1 (BRCA1 interacting DNA helicase 1; minus strand). Cytogenetic location: 17q23.2.
Variant type: single nucleotide variant.
Coding change: c.3493A>C on transcript NM_032043.3 (MANE Select); coding-DNA position 3493, A replaced by C.
Protein change: p.Ile1165Leu; replaces isoleucine 1165 with leucine.
Molecular consequence: missense variant.
Genome position (GRCh38, 1-based): chr17:61,683,553, T>G on the plus strand (A>C on the coding strand, the complement: BRIP1 is on the minus strand). VCF-style: chr17-61683553-T-G. GRCh37 (hg19) VCF-style: chr17-59760914-T-G.
Other names: short protein forms I1165L.
Identifiers: ClinVar variation 530337 (VCV000530337.20), dbSNP rs771889454, ClinGen allele CA8690356.

ClinVar aggregate classification (germline): Uncertain significance. Review status: criteria provided, multiple submitters, no conflicts (2 of 4 stars). 4 submissions from 4 submitters: Uncertain significance (4). Last evaluated 2025-11-19.

Conditions:
Familial ovarian cancer. Identifiers: MedGen C5679802, MONDO:0016248.
Fanconi anemia complementation group J. Also called: BRIP1-Related Fanconi Anemia. Identifiers: Orphanet 84, MedGen C1836860, MONDO:0012187, OMIM 609054.
Familial cancer of breast. Also called: BREAST CANCER, FAMILIAL; hereditary breast carcinoma; Hereditary breast cancer. Identifiers: Orphanet 227535, MedGen C0346153, MONDO:0016419, OMIM 114480. Disease mechanism: loss of function.
Hereditary cancer-predisposing syndrome. Also called: Neoplastic Syndromes, Hereditary; Hereditary neoplastic syndrome; Tumor predisposition; Hereditary Cancer Syndrome. Identifiers: Orphanet 140162, MedGen C0027672, MeSH D009386, MONDO:0015356.

Allele frequency attached by ClinVar (database versions not stated): gnomAD 0.00001; gnomAD exomes 0.00001; ExAC 0.00002.
gnomAD v4.1: 2 of 1,613,114 alleles (0.00012%); highest among the groups gnomAD compares: East Asian, 0.0022%; no homozygotes.

Submissions (4):

Labcorp Genetics (formerly Invitae), Labcorp
Classification: Uncertain significance for Familial cancer of breast; Fanconi anemia complementation group J. Last evaluated: 2025-11-19. Review status: criteria provided, single submitter. Criteria: Invitae Variant Classification Sherloc (09022015). Collection method: clinical testing. Allele origin: germline.
Comment: This sequence change replaces isoleucine, which is neutral and non-polar, with leucine, which is neutral and non-polar, at codon 1165 of the BRIP1 protein (p.Ile1165Leu). This variant is present in population databases (rs771889454, gnomAD 0.01%). This variant has not been reported in the literature in individuals affected with BRIP1-related conditions. ClinVar contains an entry for this variant (Variation ID: 530337). Invitae Evidence Modeling of protein sequence and biophysical properties (such as structural, functional, and spatial information, amino acid conservation, physicochemical variation, residue mobility, and thermodynamic stability) indicates that this missense variant is not expected to disrupt BRIP1 protein function with a negative predictive value of 95%. In summary, the available evidence is currently insufficient to determine the role of this variant in disease. Therefore, it has been classified as a Variant of Uncertain Significance.

Molecular Pathology, Peter Maccallum Cancer Centre
Classification: Uncertain significance for Familial ovarian cancer. Last evaluated: 2025-02-24. Review status: criteria provided, single submitter. Criteria: ACMG Guidelines, 2015. Collection method: clinical testing. Allele origin: germline. Inheritance: Autosomal dominant inheritance.

Ambry Genetics
Classification: Uncertain significance for Hereditary cancer-predisposing syndrome. Last evaluated: 2024-09-15. Review status: criteria provided, single submitter. Criteria: Ambry Variant Classification Scheme 2023. Collection method: clinical testing. Allele origin: germline.
Comment: The p.I1165L variant (also known as c.3493A>C), located in coding exon 19 of the BRIP1 gene, results from an A to C substitution at nucleotide position 3493. The isoleucine at codon 1165 is replaced by leucine, an amino acid with highly similar properties. This amino acid position is not well conserved in available vertebrate species. In addition, this alteration is predicted to be tolerated by in silico analysis. Since supporting evidence is limited at this time, the clinical significance of this alteration remains unclear.

Color Diagnostics, LLC DBA Color Health
Classification: Uncertain significance for Hereditary cancer-predisposing syndrome. Last evaluated: 2019-02-16. Review status: criteria provided, single submitter. Criteria: ACMG Guidelines, 2015. Collection method: clinical testing. Allele origin: germline.